The following is an entry in ClinVar:

NM_000053.4(ATP7B):c.2698G>C (p.Val900Leu)

Gene: ATP7B (ATPase copper transporting beta; minus strand). Cytogenetic location: 13q14.3.
Variant type: single nucleotide variant.
Coding change: c.2698G>C on transcript NM_000053.4 (MANE Select); coding-DNA position 2698, G replaced by C.
Protein change: p.Val900Leu; replaces valine 900 with leucine.
Molecular consequence: missense variant.
Genome position (GRCh38, 1-based): chr13:51,950,039, C>G on the plus strand (G>C on the coding strand, the complement: ATP7B is on the minus strand). VCF-style: chr13-51950039-C-G. GRCh37 (hg19) VCF-style: chr13-52524175-C-G.
Other names: c.2212G>C, p.Val738Leu (NM_001005918.3, NM_001406541.1, NM_001406542.1 and 1 more transcripts); c.2365G>C, p.Val789Leu (NM_001243182.2); c.2464G>C, p.Val822Leu (NM_001330578.2, NM_001406527.1, NM_001406528.1 and 2 more transcripts); c.2446G>C, p.Val816Leu (NM_001330579.2, NM_001406531.1, NM_001406532.1 and 1 more transcripts); c.2698G>C, p.Val900Leu (NM_001406511.1, NM_001406512.1, NM_001406513.1 and 7 more transcripts); c.2665G>C, p.Val889Leu (NM_001406514.1); c.2458G>C, p.Val820Leu (NM_001406530.1); c.2368G>C, p.Val790Leu (NM_001406536.1); and 8 more; short protein forms V470L, V684L, V706L, V738L, V757L, V784L, V789L, V790L.
Identifiers: ClinVar variation 3071131 (VCV003071131.2), dbSNP rs979630897, ClinGen allele CA250085163.

ClinVar aggregate classification (germline): Uncertain significance. Review status: criteria provided, multiple submitters, no conflicts (2 of 4 stars). 2 submissions from 2 submitters: Uncertain significance (2). Last evaluated 2023-05-16.

Conditions:
Wilson disease (WND). Also called: Wilson's disease. Identifiers: Orphanet 905, MedGen C0019202, MONDO:0010200, OMIM 277900. Disease mechanism: loss of function.

Allele frequency attached by ClinVar (database versions not stated): gnomAD exomes 0.00001.
gnomAD v4.1: 5 of 1,614,228 alleles (0.00031%); highest among the groups gnomAD compares: Non-Finnish European, 0.00042%; no homozygotes.

Submissions (2):

All of Us Research Program, National Institutes of Health
Classification: Uncertain significance for Wilson disease. Last evaluated: 2023-05-16. Review status: criteria provided, single submitter. Criteria: ACMG Guidelines, 2015. Collection method: clinical testing. Allele origin: germline. Inheritance: Autosomal recessive inheritance. Observed: 1 variant allele, 1 heterozygote.
Comment: This missense variant replaces valine with leucine at codon 900 of the ATP7B protein. Computational prediction suggests that this variant may have deleterious impact on protein structure and function (internally defined REVEL score threshold >= 0.7, PMID: 27666373). To our knowledge, functional studies have not been reported for this variant. This variant has not been reported in individuals affected with ATP7B-related disorders in the literature. This variant has not been identified in the general population by the Genome Aggregation Database (gnomAD). The available evidence is insufficient to determine the role of this variant in disease conclusively. Therefore, this variant is classified as a Variant of Uncertain Significance.

This study involves interpretation of variants in research participants for the purpose of population health screening. Participant phenotype was not available at the time of variant classification. Additional details can be found in publication PMID: 35346344, PMCID: PMC8962531

Color Diagnostics, LLC DBA Color Health
Classification: Uncertain significance for Wilson disease. Last evaluated: 2023-04-26. Review status: criteria provided, single submitter. Criteria: ACMG Guidelines, 2015. Collection method: clinical testing. Allele origin: germline.
Comment: This missense variant replaces valine with leucine at codon 900 of the ATP7B protein. Computational prediction suggests that this variant may have deleterious impact on protein structure and function. To our knowledge, functional studies have not been reported for this variant. This variant has not been reported in individuals affected with ATP7B-related disorders in the literature. This variant has not been identified in the general population by the Genome Aggregation Database (gnomAD). The available evidence is insufficient to determine the role of this variant in disease conclusively. Therefore, this variant is classified as a Variant of Uncertain Significance.